The following is an entry in ClinVar:

NM_001267550.2(TTN):c.89819T>G (p.Leu29940Arg)

Genes: TTN (titin; minus strand), TTN-AS1 (TTN antisense RNA 1; plus strand). Cytogenetic location: 2q31.2.
Variant type: single nucleotide variant.
Coding change: c.89819T>G on transcript NM_001267550.2 (MANE Select); coding-DNA position 89819, T replaced by G.
Protein change: p.Leu29940Arg; replaces leucine 29940 with arginine.
Molecular consequence: missense variant.
Genome position (GRCh38, 1-based): chr2:178,553,081, A>C on the plus strand (T>G on the coding strand, the complement: TTN is on the minus strand). VCF-style: chr2-178553081-A-C. GRCh37 (hg19) VCF-style: chr2-179417808-A-C.
Other names: c.84896T>G, p.Leu28299Arg (NM_001256850.1); c.62624T>G, p.Leu20875Arg (NM_003319.4); c.82115T>G, p.Leu27372Arg (NM_133378.4); c.62999T>G, p.Leu21000Arg (NM_133432.3); c.63200T>G, p.Leu21067Arg (NM_133437.4); short protein forms L20875R, L21000R, L21067R, L27372R, L28299R, L29940R.
Identifiers: ClinVar variation 2580848 (VCV002580848.1), dbSNP rs2469313489, ClinGen allele CA349515663.

ClinVar aggregate classification (germline): Uncertain significance (1 of 4 stars; one submission).

Submission:

GeneDx
Classification: Uncertain significance. Last evaluated: 2023-03-17. Review status: criteria provided, single submitter. Criteria: GeneDx Variant Classification Process June 2021. Collection method: clinical testing. Allele origin: germline. Affected: yes.
Comment: Not observed at significant frequency in large population cohorts (gnomAD); Missense variant in a gene in which most reported pathogenic variants are truncating/loss of function; Has not been previously published as pathogenic or benign to our knowledge